The following is an entry in ClinVar:

NM_018006.5(TRMU):c.579G>T (p.Gly193=)

Gene: TRMU (tRNA mitochondrial 2-thiouridylase; plus strand). Cytogenetic location: 22q13.31.
Variant type: single nucleotide variant.
Coding change: c.579G>T on transcript NM_018006.5 (MANE Select); coding-DNA position 579, G replaced by T.
Protein change: p.Gly193=; no amino-acid change (glycine 193 retained).
Molecular consequence: synonymous variant. On other transcripts: non-coding transcript variant (2).
Genome position (GRCh38, 1-based): chr22:46,350,391, G>T. VCF-style: chr22-46350391-G-T. GRCh37 (hg19) VCF-style: chr22-46746288-G-T.
Other names: c.579G>T (NM_018006.4); c.237G>T, p.Gly79= (NM_001282782.2); c.159G>T, p.Gly53= (NM_001282783.2, NM_001282784.2); c.579G>T, p.Gly193= (NM_001282785.2).
Identifiers: ClinVar variation 501611 (VCV000501611.16), dbSNP rs1294405938, ClinGen allele CA514925345.

ClinVar aggregate classification (germline): Conflicting classifications of pathogenicity. Review status: criteria provided, conflicting classifications (1 of 4 stars). 3 submissions from 3 submitters: Uncertain significance (1); Likely benign (1). 1 of the submissions does not count toward it. Last evaluated 2025-12-02.

Conditions:
TRMU-related disorder. Also called: TRMU-related condition.

Allele frequency attached by ClinVar (database versions not stated): gnomAD 0.00001; TOPMed 0.00001.
gnomAD v4.1: 3 of 1,614,060 alleles (0.00019%); highest among the groups gnomAD compares: Admixed American, 0.005%; no homozygotes.

Submissions (3):

Labcorp Genetics (formerly Invitae), Labcorp
Classification: Likely benign. Last evaluated: 2025-12-02. Review status: criteria provided, single submitter. Criteria: Invitae Variant Classification Sherloc (09022015). Collection method: clinical testing. Allele origin: germline.

Eurofins Ntd Llc (ga)
Classification: Uncertain significance. Last evaluated: 2018-06-11. Review status: criteria provided, single submitter. Criteria: EGL ClinVar v180209 classification definitions. Collection method: clinical testing. Allele origin: germline. Observed: 2 variant alleles, 2 heterozygotes.

PreventionGenetics, part of Exact Sciences
Classification: Likely benign for TRMU-related condition. Last evaluated: 2024-01-23. Review status: no assertion criteria provided. Collection method: clinical testing. Allele origin: germline. Not counted in ClinVar's aggregate classification.
Comment: This variant is classified as likely benign based on ACMG/AMP sequence variant interpretation guidelines (Richards et al. 2015 PMID: 25741868, with internal and published modifications).